The following is an entry in ClinVar:

ClinVar aggregate classification (germline): Uncertain significance (1 of 4 stars; one submission).

gnomAD v4.1: 4 of 1,614,006 alleles (0.00025%); highest among the groups gnomAD compares: Non-Finnish European, 0.00034%; no homozygotes.

Submission:

Labcorp Genetics (formerly Invitae), Labcorp
Classification: Uncertain significance. Last evaluated: 2025-11-24. Review status: criteria provided, single submitter. Criteria: Invitae Variant Classification Sherloc (09022015). Collection method: clinical testing. Allele origin: germline.
Comment: This sequence change replaces methionine, which is neutral and non-polar, with valine, which is neutral and non-polar, at codon 721 of the BRD4 protein (p.Met721Val). This variant is not present in population databases (gnomAD no frequency). This variant has not been reported in the literature in individuals affected with BRD4-related conditions. An algorithm developed to predict the effect of missense changes on protein structure and function (PolyPhen-2) suggests that this variant is likely to be tolerated. In summary, the available evidence is currently insufficient to determine the role of this variant in disease. Therefore, it has been classified as a Variant of Uncertain Significance.

NM_001379291.1(BRD4):c.2161A>G (p.Met721Val)

Gene: BRD4 (bromodomain containing 4; minus strand). Cytogenetic location: 19p13.12.
Variant type: single nucleotide variant.
Coding change: c.2161A>G on transcript NM_001379291.1 (MANE Select); coding-DNA position 2161, A replaced by G.
Protein change: p.Met721Val; replaces methionine 721 with valine.
Molecular consequence: missense variant.
Genome position (GRCh38, 1-based): chr19:15,244,760, T>C on the plus strand (A>G on the coding strand, the complement: BRD4 is on the minus strand). VCF-style: chr19-15244760-T-C. GRCh37 (hg19) VCF-style: chr19-15355571-T-C.
Other names: c.2161A>G, p.Met721Val (NM_058243.3); short protein forms M721V.
Identifiers: ClinVar variation 4721127 (VCV004721127.1).
Genomic context (GRCh38, chr19:15,244,760, plus strand): 5'-GCCCATGTACCTTCTTCTGCTCCCTCCCGGGGTGCCCCTTCTTTTTTGACTTCGGAGCCA[T>C]CTCTGCAGAGGAAAAGAGAAGGTAGTGAGGCTCTGGGGGAGAAGGTGAGTGAGCTGGCCT-3'
Protein context (NP_001366220.1, residues 711-731): SSDSEDSETE[Met721Val]APKSKKKGHP